The following is an entry in ClinVar:

ClinVar aggregate classification (germline): Uncertain significance. Review status: criteria provided, multiple submitters, no conflicts (2 of 4 stars). 3 submissions from 3 submitters: Uncertain significance (3). Last evaluated 2025-06-22.

Conditions:
Inborn genetic diseases. Identifiers: MedGen C0950123, MeSH D030342.
Nephronophthisis 15 (NPHP15). Identifiers: Orphanet 3156, MedGen C3541853, MONDO:0013917, OMIM 614845.

Allele frequency attached by ClinVar (database versions not stated): TOPMed below 0.00001; gnomAD 0.00001; ESP Exome Variant Server 0.00008.
gnomAD v4.1: 2 of 1,614,072 alleles (0.00012%); highest among the groups gnomAD compares: African/African-American, 0.0027%; no homozygotes.

Submissions (3):

Ambry Genetics
Classification: Uncertain significance for Inborn genetic diseases. Last evaluated: 2025-06-22. Review status: criteria provided, single submitter. Criteria: Ambry Variant Classification Scheme 2023. Collection method: clinical testing. Allele origin: germline.

Fulgent Genetics
Classification: Uncertain significance for Nephronophthisis 15. Last evaluated: 2024-06-09. Review status: criteria provided, single submitter. Criteria: ACMG Guidelines, 2015. Collection method: clinical testing. Allele origin: germline.

Labcorp Genetics (formerly Invitae), Labcorp
Classification: Uncertain significance for Nephronophthisis 15. Last evaluated: 2022-11-15. Review status: criteria provided, single submitter. Criteria: Invitae Variant Classification Sherloc (09022015). Collection method: clinical testing. Allele origin: germline.
Comment: In summary, the available evidence is currently insufficient to determine the role of this variant in disease. Therefore, it has been classified as a Variant of Uncertain Significance. Advanced modeling of protein sequence and biophysical properties (such as structural, functional, and spatial information, amino acid conservation, physicochemical variation, residue mobility, and thermodynamic stability) performed at Invitae indicates that this missense variant is not expected to disrupt CEP164 protein function. ClinVar contains an entry for this variant (Variation ID: 955052). This variant has not been reported in the literature in individuals affected with CEP164-related conditions. This variant is present in population databases (rs143553347, gnomAD 0.02%). This sequence change replaces glutamic acid, which is acidic and polar, with glutamine, which is neutral and polar, at codon 589 of the CEP164 protein (p.Glu589Gln).

NM_014956.5(CEP164):c.1765G>C (p.Glu589Gln)

Gene: CEP164 (centrosomal protein 164; plus strand). Cytogenetic location: 11q23.3.
Variant type: single nucleotide variant.
Coding change: c.1765G>C on transcript NM_014956.5 (MANE Select); coding-DNA position 1765, G replaced by C.
Protein change: p.Glu589Gln; replaces glutamic acid 589 with glutamine.
Molecular consequence: missense variant.
Genome position (GRCh38, 1-based): chr11:117,387,243, G>C. VCF-style: chr11-117387243-G-C. GRCh37 (hg19) VCF-style: chr11-117257959-G-C.
Other names: c.1774G>C, p.Glu592Gln (NM_001271933.2); short protein forms E589Q, E592Q.
Identifiers: ClinVar variation 955052 (VCV000955052.11), dbSNP rs143553347, ClinGen allele CA229355476.